The following is an entry in ClinVar:

NM_000062.3(SERPING1):c.1283G>A (p.Cys428Tyr)

Gene: SERPING1 (serpin family G member 1; plus strand). Cytogenetic location: 11q12.1.
Variant type: single nucleotide variant.
Coding change: c.1283G>A on transcript NM_000062.3 (MANE Select); coding-DNA position 1283, G replaced by A.
Protein change: p.Cys428Tyr; replaces cysteine 428 with tyrosine.
Molecular consequence: missense variant.
Genome position (GRCh38, 1-based): chr11:57,614,361, G>A. VCF-style: chr11-57614361-G-A. GRCh37 (hg19) VCF-style: chr11-57381834-G-A.
Other names: c.1283G>A, p.Cys428Tyr (NM_001032295.2); short protein forms C428Y.
Identifiers: ClinVar variation 1459540 (VCV001459540.6), dbSNP rs1945512818, ClinGen allele CA380690304.

ClinVar aggregate classification (germline): Pathogenic (1 of 4 stars; one submission).

Allele frequency attached by ClinVar (database versions not stated): gnomAD 0.00001.
gnomAD v4.1: 1 of 1,613,918 alleles (0.000062%); no homozygotes.

Submission:

Labcorp Genetics (formerly Invitae), Labcorp
Classification: Pathogenic. Last evaluated: 2023-10-22. Review status: criteria provided, single submitter. Criteria: Invitae Variant Classification Sherloc (09022015). Collection method: clinical testing. Allele origin: germline.
Comment: This sequence change replaces cysteine, which is neutral and slightly polar, with tyrosine, which is neutral and polar, at codon 428 of the SERPING1 protein (p.Cys428Tyr). This variant is not present in population databases (gnomAD no frequency). This missense change has been observed in individuals with hereditary angioedema (PMID: 21864911; Invitae). This variant is also known as Cys406Tyr. ClinVar contains an entry for this variant (Variation ID: 1459540). Advanced modeling of protein sequence and biophysical properties (such as structural, functional, and spatial information, amino acid conservation, physicochemical variation, residue mobility, and thermodynamic stability) performed at Invitae indicates that this missense variant is expected to disrupt SERPING1 protein function with a positive predictive value of 80%. For these reasons, this variant has been classified as Pathogenic.

Literature cited by the submitters: PubMed 21864911.